The following is an entry in ClinVar:

NM_017849.4(TMEM127):c.468C>A (p.Ala156=)

Gene: TMEM127 (transmembrane protein 127; minus strand). Cytogenetic location: 2q11.2.
Variant type: single nucleotide variant.
Coding change: c.468C>A on transcript NM_017849.4 (MANE Select); coding-DNA position 468, C replaced by A.
Protein change: p.Ala156=; no amino-acid change (alanine 156 retained).
Molecular consequence: synonymous variant.
Genome position (GRCh38, 1-based): chr2:96,254,057, G>T on the plus strand (C>A on the coding strand, the complement: TMEM127 is on the minus strand). VCF-style: chr2-96254057-G-T. GRCh37 (hg19) VCF-style: chr2-96919795-G-T.
Other names: c.468C>A, p.Ala156= (NM_001193304.3).
Identifiers: ClinVar variation 755720 (VCV000755720.14), dbSNP rs749579854, ClinGen allele CA1777300.
Genomic context (GRCh38, chr2:96,254,057, plus strand): 5'-GCTAACGGCGAAGGTGACATAGACCTGGGATCCATGGTACTTCTTATGCTGCTGCTGCTG[G>T]GCCAAGATGAGTTCAGAAGCCCAATAAGAAAAGCCAATGACGGTGGCACACTGCAGAACT-3'
Protein context (NP_060319.1, residues 146-166): FSYWASELIL[Ala156=]QQQQHKKYHG

ClinVar aggregate classification (germline): Benign/Likely benign. Review status: criteria provided, multiple submitters, no conflicts (2 of 4 stars). 3 submissions from 3 submitters: Benign (1); Likely benign (2). Last evaluated 2026-07-30.

Conditions:
Hereditary pheochromocytoma and paraganglioma. Also called: Hereditary pheochromocytoma-paraganglioma; Hereditary paragangliomas and pheochromocytomas; Hereditary Paraganglioma-Pheochromocytoma Syndromes. Identifiers: Orphanet 29072, MedGen C4274332, MONDO:0017366.
Hereditary cancer-predisposing syndrome. Also called: Hereditary neoplastic syndrome; Neoplastic Syndromes, Hereditary; Tumor predisposition; Hereditary Cancer Syndrome. Identifiers: Orphanet 140162, MedGen C0027672, MeSH D009386, MONDO:0015356.

Allele frequency attached by ClinVar (database versions not stated): ExAC 0.00002; gnomAD exomes 0.00001 and below 0.00001.
gnomAD v4.1: 2 of 1,614,158 alleles (0.00012%); highest among the groups gnomAD compares: Non-Finnish European, 0.00017%; no homozygotes.

Submissions (3):

Myriad Genetics, Inc.
Classification: Benign for Hereditary pheochromocytoma and paraganglioma. Last evaluated: 2026-07-30. Review status: criteria provided, single submitter. Criteria: Myriad Autosomal Dominant, Autosomal Recessive and X-Linked Classification Criteria (2023). Collection method: clinical testing. Allele origin: unknown.
Comment: This variant is considered benign. This variant is a silent/synonymous amino acid change and it is not expected to impact splicing.

Labcorp Genetics (formerly Invitae), Labcorp
Classification: Likely benign for Hereditary pheochromocytoma and paraganglioma. Last evaluated: 2023-05-08. Review status: criteria provided, single submitter. Criteria: Invitae Variant Classification Sherloc (09022015). Collection method: clinical testing. Allele origin: germline.

Ambry Genetics
Classification: Likely benign for Hereditary cancer-predisposing syndrome. Last evaluated: 2020-01-27. Review status: criteria provided, single submitter. Criteria: Ambry Variant Classification Scheme 2023. Collection method: clinical testing. Allele origin: germline.